The following is an entry in ClinVar:

ClinVar aggregate classification (germline): Uncertain significance (1 of 4 stars; one submission).

Allele frequency attached by ClinVar (database versions not stated): ExAC 0.00001; ESP Exome Variant Server 0.00008.
gnomAD v4.1: 5 of 1,604,140 alleles (0.00031%); highest among the groups gnomAD compares: Non-Finnish European, 0.00043%; no homozygotes.

Submission:

Labcorp Genetics (formerly Invitae), Labcorp
Classification: Uncertain significance. Last evaluated: 2025-12-01. Review status: criteria provided, single submitter. Criteria: Invitae Variant Classification Sherloc (09022015). Collection method: clinical testing. Allele origin: germline.
Comment: This sequence change replaces asparagine, which is neutral and polar, with threonine, which is neutral and polar, at codon 403 of the UBA5 protein (p.Asn403Thr). This variant is present in population databases (rs144072225, gnomAD 0.0009%). This variant has not been reported in the literature in individuals affected with UBA5-related conditions. ClinVar contains an entry for this variant (Variation ID: 1515714). An algorithm developed to predict the effect of missense changes on protein structure and function (PolyPhen-2) suggests that this variant is likely to be tolerated. In summary, the available evidence is currently insufficient to determine the role of this variant in disease. Therefore, it has been classified as a Variant of Uncertain Significance.

NM_024818.6(UBA5):c.1208A>C (p.Asn403Thr)

Genes: NPHP3-ACAD11 (NPHP3-ACAD11 readthrough (NMD candidate); minus strand), UBA5 (ubiquitin like modifier activating enzyme 5; plus strand). Cytogenetic location: 3q22.1.
Variant type: single nucleotide variant.
Coding change: c.1208A>C on transcript NM_024818.6 (MANE Select); coding-DNA position 1208, A replaced by C.
Protein change: p.Asn403Thr; replaces asparagine 403 with threonine.
Molecular consequence: missense variant.
Genome position (GRCh38, 1-based): chr3:132,676,519, A>C. VCF-style: chr3-132676519-A-C. GRCh37 (hg19) VCF-style: chr3-132395363-A-C.
Other names: c.1040A>C, p.Asn347Thr (NM_001320210.2, NM_198329.4); c.938A>C, p.Asn313Thr (NM_001321238.2); c.872A>C, p.Asn291Thr (NM_001321239.1); short protein forms N313T, N347T, N291T, N403T.
Identifiers: ClinVar variation 1515714 (VCV001515714.5), dbSNP rs144072225, ClinGen allele CA2621569.